The following is an entry in ClinVar:

NM_001844.5(COL2A1):c.1903G>C (p.Asp635His)

Gene: COL2A1 (collagen type II alpha 1 chain; minus strand). Cytogenetic location: 12q13.11.
Variant type: single nucleotide variant.
Coding change: c.1903G>C on transcript NM_001844.5 (MANE Select); coding-DNA position 1903, G replaced by C.
Protein change: p.Asp635His; replaces aspartic acid 635 with histidine.
Molecular consequence: missense variant.
Genome position (GRCh38, 1-based): chr12:47,984,125, C>G on the plus strand (G>C on the coding strand, the complement: COL2A1 is on the minus strand). VCF-style: chr12-47984125-C-G. GRCh37 (hg19) VCF-style: chr12-48377908-C-G.
Other names: c.1696G>C, p.Asp566His (NM_033150.3); short protein forms D566H, D635H.
Identifiers: ClinVar variation 3618595 (VCV003618595.3).

ClinVar aggregate classification (germline): Conflicting classifications of pathogenicity. Review status: criteria provided, conflicting classifications (1 of 4 stars). 2 submissions from 2 submitters: Uncertain significance (1); Likely benign (1). Last evaluated 2025-04-21.

gnomAD v4.1: 2 of 1,613,720 alleles (0.00012%); highest among the groups gnomAD compares: Non-Finnish European, 0.000085%; no homozygotes.

Submissions (2):

Labcorp Genetics (formerly Invitae), Labcorp
Classification: Likely benign. Last evaluated: 2025-04-21. Review status: criteria provided, single submitter. Criteria: Invitae Variant Classification Sherloc (09022015). Collection method: clinical testing. Allele origin: germline.

Greenwood Genetic Center Diagnostic Laboratories, Greenwood Genetic Center
Classification: Uncertain significance. Last evaluated: 2024-08-12. Review status: criteria provided, single submitter. Criteria: ACMG Guidelines, 2015. Collection method: clinical testing. Allele origin: germline. Affected: yes.
Comment: PM2, PP2, PP3